The following is an entry in ClinVar:

NC_000009.11:g.(?_2622190)_(2729727_?)dup

Genes: KCNV2 (potassium voltage-gated channel modifier subfamily V member 2; plus strand), VLDLR (very low density lipoprotein receptor; plus strand). Cytogenetic location: 9p24.2.
Variant type: Duplication.
Identifiers: ClinVar variation 2427221 (VCV002427221.3).

ClinVar aggregate classification (germline): Uncertain significance (1 of 4 stars; one submission).

Submission:

Labcorp Genetics (formerly Invitae), Labcorp
Classification: Uncertain significance. Last evaluated: 2022-08-09. Review status: criteria provided, single submitter. Criteria: Invitae Variant Classification Sherloc (09022015). Collection method: clinical testing. Allele origin: germline.
Comment: A copy number gain of the genomic region encompassing the full coding sequence of the KCNV2 gene has been identified. The boundaries of this event are unknown as they extend beyond the assayed region for this gene and therefore may encompass additional genes. As the precise location of this event is unknown, it may be in tandem or it may be located elsewhere in the genome. This variant has not been reported in the literature in individuals affected with KCNV2-related conditions. In summary, the available evidence is currently insufficient to determine the role of this variant in disease. Therefore, it has been classified as a Variant of Uncertain Significance.